The following is an entry in ClinVar:

ClinVar aggregate classification (germline): Uncertain significance (1 of 4 stars; one submission).

Conditions:
Primary ciliary dyskinesia. Also called: Ciliary dyskinesia. Identifiers: Orphanet 244, MedGen C0008780, MONDO:0016575, HP:0012265.

Submission:

Labcorp Genetics (formerly Invitae), Labcorp
Classification: Uncertain significance for Primary ciliary dyskinesia. Last evaluated: 2022-04-15. Review status: criteria provided, single submitter. Criteria: Invitae Variant Classification Sherloc (09022015). Collection method: clinical testing. Allele origin: germline.
Comment: This sequence change replaces glutamine, which is neutral and polar, with glutamic acid, which is acidic and polar, at codon 608 of the DNAH11 protein (p.Gln608Glu). This variant is not present in population databases (gnomAD no frequency). This variant has not been reported in the literature in individuals affected with DNAH11-related conditions. Advanced modeling of protein sequence and biophysical properties (such as structural, functional, and spatial information, amino acid conservation, physicochemical variation, residue mobility, and thermodynamic stability) performed at Invitae indicates that this missense variant is not expected to disrupt DNAH11 protein function. In summary, the available evidence is currently insufficient to determine the role of this variant in disease. Therefore, it has been classified as a Variant of Uncertain Significance.

NM_001277115.2(DNAH11):c.1822C>G (p.Gln608Glu)

Gene: DNAH11 (dynein axonemal heavy chain 11; plus strand). Cytogenetic location: 7p15.3.
Variant type: single nucleotide variant.
Coding change: c.1822C>G on transcript NM_001277115.2 (MANE Select); coding-DNA position 1822, C replaced by G.
Protein change: p.Gln608Glu; replaces glutamine 608 with glutamic acid.
Molecular consequence: missense variant.
Genome position (GRCh38, 1-based): chr7:21,588,175, C>G. VCF-style: chr7-21588175-C-G. GRCh37 (hg19) VCF-style: chr7-21627793-C-G.
Other names: c.1822C>G, p.Gln608Glu (NM_003777.3); short protein forms Q608E.
Identifiers: ClinVar variation 1927298 (VCV001927298.2), dbSNP rs2534583899, ClinGen allele CA366938742.